The following is an entry in ClinVar:

NM_000426.4(LAMA2):c.6980G>T (p.Gly2327Val)

Gene: LAMA2 (laminin subunit alpha 2; plus strand). Cytogenetic location: 6q22.33.
Variant type: single nucleotide variant.
Coding change: c.6980G>T on transcript NM_000426.4 (MANE Select); coding-DNA position 6980, G replaced by T.
Protein change: p.Gly2327Val; replaces glycine 2327 with valine.
Molecular consequence: missense variant.
Genome position (GRCh38, 1-based): chr6:129,460,312, G>T. VCF-style: chr6-129460312-G-T. GRCh37 (hg19) VCF-style: chr6-129781457-G-T.
Other names: c.6980G>T, p.Gly2327Val (NM_001079823.2); short protein forms G2327V.
Identifiers: ClinVar variation 2158282 (VCV002158282.4), dbSNP rs2114801405, ClinGen allele CA365619436.
Genomic context (GRCh38, chr6:129,460,312, plus strand): 5'-ACTTTGACAACAAACCTATAGGTTTGTGGAATTTCCGAGAAAAAGAAGGTGACTGCAAAG[G>T]ATGCACTGTCAGGTTAGTTGAGATGAGAACTCTCCCAGGGTCTGTCCTGTGCATAATAAA-3'
Protein context (NP_000417.3, residues 2317-2337): NFREKEGDCK[Gly2327Val]CTVSPQVEDS

ClinVar aggregate classification (germline): Uncertain significance (1 of 4 stars; one submission).

Conditions:
LAMA2-related muscular dystrophy (LAMA2-RD). Also called: Laminin alpha 2-related dystrophy. Identifiers: MedGen C5679788, MONDO:0100228.

Submission:

Labcorp Genetics (formerly Invitae), Labcorp
Classification: Uncertain significance for LAMA2-related muscular dystrophy. Last evaluated: 2022-03-01. Review status: criteria provided, single submitter. Criteria: Invitae Variant Classification Sherloc (09022015). Collection method: clinical testing. Allele origin: germline.
Comment: In summary, the available evidence is currently insufficient to determine the role of this variant in disease. Therefore, it has been classified as a Variant of Uncertain Significance. This sequence change replaces glycine, which is neutral and non-polar, with valine, which is neutral and non-polar, at codon 2327 of the LAMA2 protein (p.Gly2327Val). This variant is not present in population databases (gnomAD no frequency). This variant has not been reported in the literature in individuals affected with LAMA2-related conditions. Advanced modeling of protein sequence and biophysical properties (such as structural, functional, and spatial information, amino acid conservation, physicochemical variation, residue mobility, and thermodynamic stability) performed at Invitae indicates that this missense variant is not expected to disrupt LAMA2 protein function.